The following is an entry in ClinVar:

ClinVar aggregate classification (germline): Uncertain significance (1 of 4 stars; one submission).

Conditions:
Spastic paraplegia. Identifiers: MedGen C0037772, HP:0001258.

Allele frequency attached by ClinVar (database versions not stated): TOPMed 0.00001.
gnomAD v4.1: 1 of 1,512,028 alleles (0.000066%); no homozygotes.

Submission:

Labcorp Genetics (formerly Invitae), Labcorp
Classification: Uncertain significance for Spastic paraplegia. Last evaluated: 2022-08-18. Review status: criteria provided, single submitter. Criteria: Invitae Variant Classification Sherloc (09022015). Collection method: clinical testing. Allele origin: germline.
Comment: This sequence change replaces threonine, which is neutral and polar, with proline, which is neutral and non-polar, at codon 40 of the CYP7B1 protein (p.Thr40Pro). This variant is not present in population databases (gnomAD no frequency). This variant has not been reported in the literature in individuals affected with CYP7B1-related conditions. Algorithms developed to predict the effect of missense changes on protein structure and function (SIFT, PolyPhen-2, Align-GVGD) all suggest that this variant is likely to be tolerated. In summary, the available evidence is currently insufficient to determine the role of this variant in disease. Therefore, it has been classified as a Variant of Uncertain Significance.

NM_004820.5(CYP7B1):c.118A>C (p.Thr40Pro)

Gene: CYP7B1 (cytochrome P450 family 7 subfamily B member 1; minus strand). Cytogenetic location: 8q12.3.
Variant type: single nucleotide variant.
Coding change: c.118A>C on transcript NM_004820.5 (MANE Select); coding-DNA position 118, A replaced by C.
Protein change: p.Thr40Pro; replaces threonine 40 with proline.
Molecular consequence: missense variant.
Genome position (GRCh38, 1-based): chr8:64,798,470, T>G on the plus strand (A>C on the coding strand, the complement: CYP7B1 is on the minus strand). VCF-style: chr8-64798470-T-G. GRCh37 (hg19) VCF-style: chr8-65711027-T-G.
Other names: c.118A>C, p.Thr40Pro (NM_001324112.2); short protein forms T40P.
Identifiers: ClinVar variation 2177210 (VCV002177210.1), dbSNP rs1005078786, ClinGen allele CA179061864.